The following is an entry in ClinVar:

ClinVar aggregate classification (germline): Uncertain significance (1 of 4 stars; one submission).

Allele frequency attached by ClinVar (database versions not stated): gnomAD 0.00001; TOPMed 0.00002; gnomAD exomes 0.00004 and 0.00006; ExAC 0.00008; 1000 Genomes Project 30x 0.00016.
gnomAD v4.1: 54 of 1,613,900 alleles (0.0033%); highest among the groups gnomAD compares: South Asian, 0.041%; 1 homozygote.

Submission:

Labcorp Genetics (formerly Invitae), Labcorp
Classification: Uncertain significance. Last evaluated: 2025-02-17. Review status: criteria provided, single submitter. Criteria: Invitae Variant Classification Sherloc (09022015). Collection method: clinical testing. Allele origin: germline.
Comment: This sequence change replaces valine, which is neutral and non-polar, with isoleucine, which is neutral and non-polar, at codon 892 of the CACNA2D4 protein (p.Val892Ile). This variant is present in population databases (rs778535256, gnomAD 0.03%). This variant has not been reported in the literature in individuals affected with CACNA2D4-related conditions. ClinVar contains an entry for this variant (Variation ID: 1517936). An algorithm developed to predict the effect of missense changes on protein structure and function outputs the following: PolyPhen-2: "Benign". The isoleucine amino acid residue is found in multiple mammalian species, which suggests that this missense change does not adversely affect protein function. In summary, the available evidence is currently insufficient to determine the role of this variant in disease. Therefore, it has been classified as a Variant of Uncertain Significance.

NM_172364.5(CACNA2D4):c.2674G>A (p.Val892Ile)

Gene: CACNA2D4 (calcium voltage-gated channel auxiliary subunit alpha2delta 4; minus strand). Cytogenetic location: 12p13.33.
Variant type: single nucleotide variant.
Coding change: c.2674G>A on transcript NM_172364.5 (MANE Select); coding-DNA position 2674, G replaced by A.
Protein change: p.Val892Ile; replaces valine 892 with isoleucine.
Molecular consequence: missense variant.
Genome position (GRCh38, 1-based): chr12:1,810,325, C>T on the plus strand (G>A on the coding strand, the complement: CACNA2D4 is on the minus strand). VCF-style: chr12-1810325-C-T. GRCh37 (hg19) VCF-style: chr12-1919491-C-T.
Other names: short protein forms V892I.
Identifiers: ClinVar variation 1517936 (VCV001517936.6), dbSNP rs778535256, ClinGen allele CA6386255.
Genomic context (GRCh38, chr12:1,810,325, plus strand): 5'-CCCAGTGACTCACCTCTCGGGACCTCTTGGAGATCAGAATGAACCCGTTGTTGTCGATGA[C>T]GAAGCAGTCCAGATCCTGGGAGGAAACCCAGAAGGGAGGTTATGCCAGGGCCCTCACCCA-3'
Protein context (NP_758952.4, residues 882-902): SCEDSDLDCF[Val892Ile]IDNNGFILIS